The following is an entry in ClinVar:

NM_001005242.3(PKP2):c.2491G>T (p.Ala831Ser)

Gene: PKP2 (plakophilin 2; minus strand). Cytogenetic location: 12p11.21.
Variant type: single nucleotide variant.
Coding change: c.2491G>T on transcript NM_001005242.3 (MANE Select); coding-DNA position 2491, G replaced by T.
Protein change: p.Ala831Ser; replaces alanine 831 with serine.
Molecular consequence: missense variant.
Genome position (GRCh38, 1-based): chr12:32,792,447, C>A on the plus strand (G>T on the coding strand, the complement: PKP2 is on the minus strand). VCF-style: chr12-32792447-C-A. GRCh37 (hg19) VCF-style: chr12-32945381-C-A.
Other names: c.2623G>T, p.Ala875Ser (NM_004572.4); short protein forms A831S, A875S.
Identifiers: ClinVar variation 1171601 (VCV001171601.5), dbSNP rs1202929042, ClinGen allele CA384356718.

ClinVar aggregate classification (germline): Uncertain significance. Review status: criteria provided, multiple submitters, no conflicts (2 of 4 stars). 2 submissions from 2 submitters: Uncertain significance (2). Last evaluated 2023-11-28.

Conditions:
Arrhythmogenic right ventricular cardiomyopathy (ARVD). Also called: Cardiomyopathy, ARVC; Arrhythmogenic right ventricular dysplasia; Arrhythmogenic cardiomyopathy; Arrhythmogenic Right Ventricular Cardiomyopathy (ARVC). Identifiers: Orphanet 247, MedGen C0349788, MeSH D019571, MONDO:0016587. Disease mechanism: loss of function. Inheritance: Various modes of inheritance.
Cardiomyopathy (CMYO). Also called: Cardiomyopathies. Identifiers: Orphanet 167848, MedGen C0878544, MONDO:0004994, HP:0001638. Inheritance: Various modes of inheritance.

Allele frequency attached by ClinVar (database versions not stated): gnomAD exomes 0.00002.
gnomAD v4.1: 27 of 1,613,852 alleles (0.0017%); highest among the groups gnomAD compares: Non-Finnish European, 0.0022%; no homozygotes.

Submissions (2):

All of Us Research Program, National Institutes of Health
Classification: Uncertain significance for Arrhythmogenic right ventricular cardiomyopathy. Last evaluated: 2023-11-28. Review status: criteria provided, single submitter. Criteria: ACMG Guidelines, 2015. Collection method: clinical testing. Allele origin: germline. Inheritance: Autosomal dominant inheritance. Observed: 2 variant alleles, 2 heterozygotes.
Comment: This missense variant replaces alanine with serine at codon 875 of the PKP2 protein. Computational prediction suggests that this variant may not impact protein structure and function (internally defined REVEL score threshold <= 0.5, PMID: 27666373). To our knowledge, functional studies have not been reported for this variant. This variant has been reported in an individual affected with dilated cardiomyopathy (PMID: 27532257). This variant has not been identified in the general population by the Genome Aggregation Database (gnomAD). The available evidence is insufficient to determine the role of this variant in disease conclusively. Therefore, this variant is classified as a Variant of Uncertain Significance.

This study involves interpretation of variants in research participants for the purpose of population health screening. Participant phenotype was not available at the time of variant classification. Additional details can be found in publication PMID: 35346344, PMCID: PMC8962531

Color Diagnostics, LLC DBA Color Health
Classification: Uncertain significance for Cardiomyopathy. Last evaluated: 2023-06-16. Review status: criteria provided, single submitter. Criteria: ACMG Guidelines, 2015. Collection method: clinical testing. Allele origin: germline.
Comment: This missense variant replaces alanine with serine at codon 875 of the PKP2 protein. Computational prediction suggests that this variant may not impact protein structure and function (internally defined REVEL score threshold <= 0.5, PMID: 27666373). To our knowledge, functional studies have not been reported for this variant. This variant has been reported in an individual affected with dilated cardiomyopathy (PMID: 27532257). This variant has not been identified in the general population by the Genome Aggregation Database (gnomAD). The available evidence is insufficient to determine the role of this variant in disease conclusively. Therefore, this variant is classified as a Variant of Uncertain Significance.

Literature cited by the submitters: PubMed 27532257 (cited by All of Us Research Program, National Institutes of Health and Color Diagnostics, LLC DBA Color Health).